The following is an entry in ClinVar:

NM_000188.3(HK1):c.198A>T (p.Thr66=)

Gene: HK1 (hexokinase 1; plus strand). Cytogenetic location: 10q22.1.
Variant type: single nucleotide variant.
Coding change: c.198A>T on transcript NM_000188.3 (MANE Select); coding-DNA position 198, A replaced by T.
Protein change: p.Thr66=; no amino-acid change (threonine 66 retained).
Molecular consequence: synonymous variant.
Genome position (GRCh38, 1-based): chr10:69,343,961, A>T. VCF-style: chr10-69343961-A-T. GRCh37 (hg19) VCF-style: chr10-71103717-A-T.
Other names: p.Thr65=; c.210A>T, p.Thr70= (NM_001322364.2, NM_001358263.1, NM_033497.3 and 1 more transcripts); c.303A>T, p.Thr101= (NM_001322365.2); c.114A>T, p.Thr38= (NM_001322366.1); c.198A>T, p.Thr66= (NM_001322367.1); c.195A>T, p.Thr65= (NM_033496.3); c.162A>T, p.Thr54= (NM_033500.2); c.195A>T (NM_033496.2).
Identifiers: ClinVar variation 732119 (VCV000732119.23), dbSNP rs34410083, ClinGen allele CA5532255.

ClinVar aggregate classification (germline): Benign/Likely benign. Review status: criteria provided, multiple submitters, no conflicts (2 of 4 stars). 6 submissions from 6 submitters: Benign (1); Likely benign (4). 1 of the submissions does not count toward it. Last evaluated 2026-05-13.

Conditions:
HK1-related disorder. Also called: HK1-related disorders; HK1-related condition.

Allele frequency attached by ClinVar (database versions not stated): gnomAD exomes 0.00016; ESP Exome Variant Server 0.00100; gnomAD 0.00177 and 0.00189; TOPMed 0.00191; 1000 Genomes Project 0.00260; 1000 Genomes Project 30x 0.00281.

Submissions (6):

Women's Health and Genetics/Laboratory Corporation of America, LabCorp
Classification: Likely benign. Last evaluated: 2026-05-13. Review status: criteria provided, single submitter. Criteria: LabCorp Variant Classification Summary - May 2015. Collection method: clinical testing. Allele origin: germline.

Labcorp Genetics (formerly Invitae), Labcorp
Classification: Benign. Last evaluated: 2025-12-29. Review status: criteria provided, single submitter. Criteria: Invitae Variant Classification Sherloc (09022015). Collection method: clinical testing. Allele origin: germline.

Mayo Clinic Laboratories, Mayo Clinic
Classification: Likely benign. Last evaluated: 2025-09-30. Review status: criteria provided, single submitter. Criteria: ACMG Guidelines, 2015. Collection method: clinical testing. Allele origin: germline. Observed: 7 variant alleles.
Comment: BP4, BP7

CeGaT Center for Human Genetics Tuebingen
Classification: Likely benign. Last evaluated: 2025-03-01. Review status: criteria provided, single submitter. Criteria: CeGaT Center For Human Genetics Tuebingen Variant Classification Criteria Version 2. Collection method: clinical testing. Allele origin: germline. Affected: yes. Observed: 1 variant allele.
Comment: HK1: BP4, BP7

Blueprint Genetics
Classification: Likely benign. Last evaluated: 2024-11-13. Review status: criteria provided, single submitter. Criteria: ACMG Guidelines, 2015. Collection method: clinical testing. Allele origin: germline.

PreventionGenetics, part of Exact Sciences
Classification: Likely benign for HK1-related condition. Last evaluated: 2019-02-19. Review status: no assertion criteria provided. Collection method: clinical testing. Allele origin: germline. Not counted in ClinVar's aggregate classification.
Comment: This variant is classified as likely benign based on ACMG/AMP sequence variant interpretation guidelines (Richards et al. 2015 PMID: 25741868, with internal and published modifications).